The following is an entry in ClinVar:

ClinVar aggregate classification (germline): Uncertain significance. Review status: reviewed by expert panel (3 of 4 stars). 2 submissions from 2 submitters: Uncertain significance (1). 1 of the submissions does not count toward it. Last evaluated 2023-06-01.

Conditions:
Glanzmann thrombasthenia. Also called: Glanzmann's thrombasthenia; BLEEDING DISORDER, PLATELET-TYPE, 2; THROMBASTHENIA OF GLANZMANN AND NAEGELI; Thrombasthenia; PLATELET GLYCOPROTEIN IIb-IIIa DEFICIENCY. Identifiers: Orphanet 849, MedGen C0040015, MONDO:0100326.

Allele frequency attached by ClinVar (database versions not stated): gnomAD exomes below 0.00001 and 0.00001; ExAC 0.00001; ESP Exome Variant Server 0.00008.

Submissions (2):

ClinGen Platelet Disorders Variant Curation Expert Panel, ClinGen
Classification: Uncertain significance for Glanzmann thrombasthenia. Last evaluated: 2023-06-01. Review status: reviewed by expert panel. Criteria: ClinGen Platelet ACMG Specifications v2-1. Collection method: curation. Allele origin: germline. Inheritance: Autosomal recessive inheritance.
Comment: After a comprehensive literature search of the synonymous variant NM_000212.3(ITGB3):c.414G>C (p.Val138=), no individuals with glanzmann thrombasthenia were reported with the variant. The variant has a minor allele frequency of 0.00001758 (2/113758 alleles) in the European (Non-Finnish) population in gnomAD, which meets the threshold criteria for PM2_supporting. In silico predictor spliceAI revealed that the synonymous mutation is not expected to impact splicing and a PhyloP score of -.103 shows that the nucleotide position is not highly conserved (BP4, BP7). Due to conflicting evidence, this variant is classified as a variant of unknown significance for autosomal recessive Glanzmann Thrombasthenia based on the ACMG/AMP criteria applied, as specified by the ClinGen PD-VCEP: PM2_Supporting, BP4, BP7. (PD VCEP specifications version 2.1).

Labcorp Genetics (formerly Invitae), Labcorp
Classification: Likely benign. Last evaluated: 2018-07-26. Review status: criteria provided, single submitter. Criteria: Invitae Variant Classification Sherloc (09022015). Collection method: clinical testing. Allele origin: germline. Not counted in ClinVar's aggregate classification.

NM_000212.3(ITGB3):c.414G>C (p.Val138=)

Gene: ITGB3 (integrin subunit beta 3; plus strand). Cytogenetic location: 17q21.32.
Variant type: single nucleotide variant.
Coding change: c.414G>C on transcript NM_000212.3 (MANE Select); coding-DNA position 414, G replaced by C.
Protein change: p.Val138=; no amino-acid change (valine 138 retained).
Molecular consequence: synonymous variant.
Genome position (GRCh38, 1-based): chr17:47,284,495, G>C. VCF-style: chr17-47284495-G-C. GRCh37 (hg19) VCF-style: chr17-45361861-G-C.
Other names: NM_000212.3(ITGB3):c.414G>C; p.Val138=.
Identifiers: ClinVar variation 701285 (VCV000701285.4), dbSNP rs146957831, ClinGen allele CA8622959.
Genomic context (GRCh38, chr17:47,284,495, plus strand): 5'-CCTTCCAGATGATTCGAAGAATTTCTCCATCCAAGTGCGGCAGGTGGAGGATTACCCTGT[G>C]GACATCTACTACTTGATGGACCTGTCTTACTCCATGAAGGATGATCTGTGGAGCATCCAG-3'
Protein context (NP_000203.2, residues 128-148): IQVRQVEDYP[Val138=]DIYYLMDLSY